The following is an entry in ClinVar:

NM_000612.6(IGF2):c.306G>A (p.Pro102=)

Genes: IGF2 (insulin like growth factor 2; minus strand), INS-IGF2 (INS-IGF2 readthrough; minus strand). Cytogenetic location: 11p15.5.
Variant type: single nucleotide variant.
Coding change: c.306G>A on transcript NM_000612.6 (MANE Select); coding-DNA position 306, G replaced by A.
Protein change: p.Pro102=; no amino-acid change (proline 102 retained).
Molecular consequence: synonymous variant. On other transcripts: non-coding transcript variant (1).
Genome position (GRCh38, 1-based): chr11:2,133,517, C>T on the plus strand (G>A on the coding strand, the complement: IGF2 is on the minus strand). VCF-style: chr11-2133517-C-T. GRCh37 (hg19) VCF-style: chr11-2154747-C-T.
Other names: c.306G>A, p.Pro102= (NM_001007139.6, NM_001291861.3, NM_001291862.3); c.474G>A, p.Pro158= (NM_001127598.3).
Identifiers: ClinVar variation 1977706 (VCV001977706.5), dbSNP rs536204564, ClinGen allele CA5817651.

ClinVar aggregate classification (germline): Uncertain significance (1 of 4 stars; one submission).

Allele frequency attached by ClinVar (database versions not stated): TOPMed below 0.00001; gnomAD 0.00001; ExAC 0.00002; 1000 Genomes Project 30x 0.00016; 1000 Genomes Project 0.00020.
gnomAD v4.1: 10 of 1,610,276 alleles (0.00062%); highest among the groups gnomAD compares: Admixed American, 0.0034%; no homozygotes.

Submission:

Labcorp Genetics (formerly Invitae), Labcorp
Classification: Uncertain significance. Last evaluated: 2022-02-19. Review status: criteria provided, single submitter. Criteria: Invitae Variant Classification Sherloc (09022015). Collection method: clinical testing. Allele origin: germline.
Comment: In summary, the available evidence is currently insufficient to determine the role of this variant in disease. Therefore, it has been classified as a Variant of Uncertain Significance. Variants that disrupt the consensus splice site are a relatively common cause of aberrant splicing (PMID: 17576681, 9536098). Algorithms developed to predict the effect of sequence changes on RNA splicing suggest that this variant may disrupt the consensus splice site. This variant has not been reported in the literature in individuals affected with IGF2-related conditions. This variant is present in population databases (rs536204564, gnomAD 0.006%). This sequence change affects codon 102 of the IGF2 mRNA. It is a 'silent' change, meaning that it does not change the encoded amino acid sequence of the IGF2 protein. This variant also falls at the last nucleotide of exon 3, which is part of the consensus splice site for this exon.

Literature cited by the submitters: PubMed 17576681; PubMed 9536098.